The following is an entry in ClinVar:

ClinVar aggregate classification (germline): Pathogenic/Likely pathogenic. Review status: criteria provided, multiple submitters, no conflicts (2 of 4 stars). 8 submissions from 8 submitters: Pathogenic (2); Likely pathogenic (6). Last evaluated 2026-02-25.

Conditions:
Meckel syndrome, type 4 (MKS4). Also called: MECKEL-GRUBER SYNDROME, TYPE 4. Identifiers: Orphanet 564, MedGen C1970161, MONDO:0012626, OMIM 611134.
Leber congenital amaurosis (LCA). Also called: Leber's amaurosis. Identifiers: Orphanet 65, MedGen C0339527, MeSH D057130, MONDO:0018998.
Bardet-Biedl syndrome 14 (BBS14). Identifiers: Orphanet 110, MedGen C2673874, MONDO:0014442, OMIM 615991.
CEP290-related disorder. Also called: CEP290-related condition; CEP290-related disorders. Identifiers: MedGen CN239314.
Nephronophthisis. Also called: Juvenile Nephronophthisis. Identifiers: Orphanet 655, MedGen C0687120, MONDO:0019005, HP:0000090.
Meckel-Gruber syndrome. Also called: GRUBER SYNDROME; DYSENCEPHALIA SPLANCHNOCYSTICA; Dysencephalia splachnocystica. Identifiers: Orphanet 564, MedGen C0265215, MONDO:0018921.
Joubert syndrome. Also called: Familial aplasia of the vermis; JOUBERT-BOLTSHAUSER SYNDROME. Identifiers: Orphanet 475, MedGen C5979921, MONDO:0018772.
Joubert syndrome 5 (JBTS5). Identifiers: Orphanet 2318, MedGen C1857780, MONDO:0012432, OMIM 610188.
Senior-Loken syndrome 6 (SLSN6). Identifiers: Orphanet 3156, MedGen C1857779, MONDO:0012433, OMIM 610189.
Leber congenital amaurosis 10 (LCA10). Identifiers: Orphanet 65, MedGen C1857821, MONDO:0012723, OMIM 611755.

Submissions (8):

PreventionGenetics, part of Exact Sciences
Classification: Likely pathogenic for CEP290-related condition. Last evaluated: 2026-02-25. Review status: criteria provided, single submitter. Criteria: ACMG Guidelines, 2015. Collection method: clinical testing. Allele origin: germline.
Comment: The CEP290 c.7153delA variant is predicted to result in premature protein termination (p.Ile2385*). To our knowledge, this variant has not been reported in the literature. This variant is reported in 0.0024% of alleles in individuals of European (non-Finnish) descent in gnomAD. Nonsense variants in CEP290 are expected to be pathogenic. This variant is interpreted as likely pathogenic.

Dasa
Classification: Likely pathogenic. Last evaluated: 2025-09-16. Review status: criteria provided, single submitter. Criteria: DASA Assertion Criteria. Collection method: clinical testing. Allele origin: germline.
Comment: NM_025114.4(CEP290):c.7153del (p.Ile2385*) is a frameshift variant in CEP290 predicted to alter the reading frame and introduce a premature termination codon and is predicted to result in an absent or altered protein product. Loss of function is an established disease mechanism for CEP290-associated disorders. Also, this variant is rare in population databases. Based on the currently available evidence, this variant is classified as likely pathogenic.

Natera, Inc.
Classification: Likely pathogenic for Leber congenital amaurosis. Last evaluated: 2025-01-28. Review status: criteria provided, single submitter. Criteria: Natera Variant Classification Schema (03/2026). Collection method: clinical testing. Allele origin: germline.
Comment: The c.7153delA variant in CEP290 is a frameshift variant predicted to shift the reading frame and introduce a stop codon. This variant is expected to result in nonsense mediated decay, truncation, or a dysfunctional protein product. This variant is rare in the general population with a frequency below the threshold expected for the associated phenotype(s). Given the available evidence, this variant is classified as Likely Pathogenic.

Labcorp Genetics (formerly Invitae), Labcorp
Classification: Pathogenic for Joubert syndrome; Meckel-Gruber syndrome; Nephronophthisis. Last evaluated: 2024-10-29. Review status: criteria provided, single submitter. Criteria: Invitae Variant Classification Sherloc (09022015). Collection method: clinical testing. Allele origin: germline.
Comment: This sequence change creates a premature translational stop signal (p.Ile2385*) in the CEP290 gene. It is expected to result in an absent or disrupted protein product. Loss-of-function variants in CEP290 are known to be pathogenic (PMID: 16909394, 17345604, 20690115). The frequency data for this variant in the population databases is considered unreliable, as metrics indicate poor data quality at this position in the gnomAD database. This variant has not been reported in the literature in individuals affected with CEP290-related conditions. ClinVar contains an entry for this variant (Variation ID: 842877). For these reasons, this variant has been classified as Pathogenic.

Women's Health and Genetics/Laboratory Corporation of America, LabCorp
Classification: Pathogenic for Meckel syndrome, type 4. Last evaluated: 2024-08-08. Review status: criteria provided, single submitter. Criteria: LabCorp Variant Classification Summary - May 2015. Collection method: clinical testing. Allele origin: germline.
Comment: Variant summary: CEP290 c.7153delA (p.Ile2385X) results in a premature termination codon, predicted to cause a truncation of the encoded protein or absence of the protein due to nonsense mediated decay, which are commonly known mechanisms for disease. The variant allele was found at a frequency of 8.6e-06 in 232328 control chromosomes. To our knowledge, no occurrence of c.7153delA in individuals affected with Meckel Syndrome Type 4 and no experimental evidence demonstrating its impact on protein function have been reported. ClinVar contains an entry for this variant (Variation ID: 842877). Based on the evidence outlined above, the variant was classified as pathogenic.

Fulgent Genetics
Classification: Likely pathogenic for Joubert syndrome 5; Senior-Loken syndrome 6; Meckel syndrome, type 4; Leber congenital amaurosis 10; Bardet-Biedl syndrome 14. Last evaluated: 2024-03-12. Review status: criteria provided, single submitter. Criteria: ACMG Guidelines, 2015. Collection method: clinical testing. Allele origin: germline.

Baylor Genetics
Classification: Likely pathogenic for Bardet-Biedl syndrome 14. Last evaluated: 2024-03-07. Review status: criteria provided, single submitter. Criteria: ACMG Guidelines, 2015. Collection method: clinical testing. Allele origin: unknown.

Blueprint Genetics
Classification: Likely pathogenic for CEP290-related disorders. Last evaluated: 2022-10-11. Review status: criteria provided, single submitter. Criteria: ACMG Guidelines, 2015. Collection method: clinical testing. Allele origin: germline. Affected: yes. Observed: 5 variant alleles.

Literature cited by the submitters: PubMed 16909394 (cited by Labcorp Genetics (formerly Invitae), Labcorp); PubMed 17345604 (cited by Labcorp Genetics (formerly Invitae), Labcorp); PubMed 20690115 (cited by Labcorp Genetics (formerly Invitae), Labcorp).

NM_025114.4(CEP290):c.7153del (p.Lys2384_Ile2385insTer)

Gene: CEP290 (centrosomal protein 290; minus strand). Cytogenetic location: 12q21.32.
Variant type: Deletion.
Coding change: c.7153del on transcript NM_025114.4 (MANE Select); coding-DNA position 7153, one base deleted (A; older notation c.7153delA).
Protein change: p.Lys2384_Ile2385insTer.
Molecular consequence: nonsense.
Genome position (GRCh38, 1-based): chr12:88,050,410, T deleted on the plus strand (A on the coding strand, the reverse complement: CEP290 is on the minus strand); the first of 6 consecutive T bases (chr12:88,050,410-88,050,415); deleting any one gives the same sequence. VCF-style (leftmost placement, unchanged base first): chr12-88050409-AT-A. GRCh37 (hg19) VCF-style: chr12-88444186-AT-A.
Other names: c.7153delA (NM_025114.3, NM_025114.4).
Identifiers: ClinVar variation 842877 (VCV000842877.20), dbSNP rs781310385, ClinGen allele CA6711338.
Genomic context (GRCh38, chr12:88,050,409, plus strand): 5'-ATTACCTTCAAATGCTGCTTTTCTAGATCTGACATTTTGAGCTGTGTCTCTAGATCTTTT[AT>A]TTTTTCCTTTAGTTGATCAGCATCTGTTGAAAAAGTCATACAAATTAGACTCAGCTTTTT-3'